The following is an entry in ClinVar:

NM_000523.4(HOXD13):c.314_315del (p.Lys105fs)

Gene: HOXD13 (homeobox D13; plus strand). Cytogenetic location: 2q31.1.
Variant type: Deletion.
Coding change: c.314_315del on transcript NM_000523.4 (MANE Select); coding-DNA positions 314 to 315, 2 bases deleted (AA; older notation c.314_315delAA).
Protein change: p.Lys105fs; shifts the reading frame from lysine 105.
Molecular consequence: frameshift variant.
Genome position (GRCh38, 1-based): chr2:176,093,204-176,093,205, AA deleted; deleting any 2 consecutive bases within chr2:176,093,203-176,093,205 gives the same sequence; the c. name uses the placement nearest the transcript's 3' end. VCF-style (leftmost placement, unchanged base first): chr2-176093202-CAA-C. GRCh37 (hg19) VCF-style: chr2-176957930-CAA-C.
Other names: short protein forms K105fs.
Identifiers: ClinVar variation 1453451 (VCV001453451.6), dbSNP rs1166147565, ClinGen allele CA537975469.
Genomic context (GRCh38, chr2:176,093,202, plus strand): 5'-CTCTTCCTCGTCGTCGTCCTCTTCTGCCGTTGTAGCGGCGCGCCCGGAGGCTCCCCCAGC[CAA>C]AGAGTGCCCAGCACCCACGCCTGCAGCGGCCGCTGCAGCGCCCCCGAGCGCTCCAGCGCT-3'

ClinVar aggregate classification (germline): Pathogenic (1 of 4 stars; one submission).

Submission:

Labcorp Genetics (formerly Invitae), Labcorp
Classification: Pathogenic. Last evaluated: 2021-07-27. Review status: criteria provided, single submitter. Criteria: Invitae Variant Classification Sherloc (09022015). Collection method: clinical testing. Allele origin: germline.
Comment: This variant has not been reported in the literature in individuals with HOXD13-related conditions. For these reasons, this variant has been classified as Pathogenic. This variant is not present in population databases (ExAC no frequency). This sequence change creates a premature translational stop signal (p.Lys105Argfs*131) in the HOXD13 gene. It is expected to result in an absent or disrupted protein product. Loss-of-function variants in HOXD13 are known to be pathogenic (PMID: 18399101, 21782042, 21814222, 27254532).

Literature cited by the submitters: PubMed 18399101; PubMed 21782042; PubMed 21814222; PubMed 27254532.